The following is an entry in ClinVar:

ClinVar aggregate classification (germline): Likely benign. Review status: criteria provided, multiple submitters, no conflicts (2 of 4 stars). 2 submissions from 2 submitters: Likely benign (2). Last evaluated 2024-08-12.

Conditions:
Charcot-Marie-Tooth Neuropathy X. Identifiers: MedGen CN118851.
Combined oxidative phosphorylation deficiency. Identifiers: MedGen C4540031, MONDO:0000732.

Submissions (2):

Labcorp Genetics (formerly Invitae), Labcorp
Classification: Likely benign for Charcot-Marie-Tooth Neuropathy X; Combined oxidative phosphorylation deficiency. Last evaluated: 2024-08-12. Review status: criteria provided, single submitter. Criteria: Invitae Variant Classification Sherloc (09022015). Collection method: clinical testing. Allele origin: germline.

CeGaT Center for Human Genetics Tuebingen
Classification: Likely benign. Last evaluated: 2023-02-01. Review status: criteria provided, single submitter. Criteria: CeGaT Center For Human Genetics Tuebingen Variant Classification Criteria Version 2. Collection method: clinical testing. Allele origin: germline. Affected: yes. Observed: 1 variant allele.
Comment: AIFM1: PM2:Supporting, BP4, BP7

NM_004208.4(AIFM1):c.192C>T (p.Ile64=)

Genes: AIFM1 (apoptosis inducing factor mitochondria associated 1; minus strand), RAB33A (RAB33A, member RAS oncogene family; plus strand). Cytogenetic location: Xq26.1.
Variant type: single nucleotide variant.
Coding change: c.192C>T on transcript NM_004208.4 (MANE Select); coding-DNA position 192, C replaced by T.
Protein change: p.Ile64=; no amino-acid change (isoleucine 64 retained).
Molecular consequence: synonymous variant. On other transcripts: intron variant (1).
Genome position (GRCh38, 1-based): chrX:130,156,518, G>A on the plus strand (C>T on the coding strand, the complement: AIFM1 is on the minus strand). VCF-style: chrX-130156518-G-A. GRCh37 (hg19) VCF-style: chrX-129290492-G-A.
Other names: c.192C>T, p.Ile64= (NM_001130847.4); c.107-1232C>T (NM_145812.3).
Identifiers: ClinVar variation 2661432 (VCV002661432.26), dbSNP rs2523169215, ClinGen allele CA518471158.